The following is an entry in ClinVar:

NM_006031.6(PCNT):c.591_629del (p.Ile197_Gly209del)

Gene: PCNT (pericentrin; plus strand). Cytogenetic location: 21q22.3.
Variant type: Deletion.
Coding change: c.591_629del on transcript NM_006031.6 (MANE Select); coding-DNA positions 591 to 629, 39 bases deleted.
Protein change: p.Ile197_Gly209del.
Molecular consequence: inframe deletion.
Genome position (GRCh38, 1-based): chr21:46,334,720-46,334,758, 39 bases deleted; deleting any 39 consecutive bases within chr21:46,334,704-46,334,758 gives the same sequence; the c. name uses the placement nearest the transcript's 3' end. GRCh37 (hg19): chr21:47,754,634-47,754,672.
Other names: c.237_275del, p.Ile79_Gly91del (NM_001315529.2); c.591_629del39 (NM_006031.5).
Identifiers: ClinVar variation 1426780 (VCV001426780.5), dbSNP rs761716576, ClinGen allele CA10078301.

ClinVar aggregate classification (germline): Uncertain significance. Review status: criteria provided, multiple submitters, no conflicts (2 of 4 stars). 3 submissions from 3 submitters: Uncertain significance (2). 1 of the submissions does not count toward it. Last evaluated 2022-04-06.

Conditions:
PCNT-related disorder. Also called: PCNT-related condition.

Submissions (3):

Labcorp Genetics (formerly Invitae), Labcorp
Classification: Uncertain significance. Last evaluated: 2022-04-06. Review status: criteria provided, single submitter. Criteria: Invitae Variant Classification Sherloc (09022015). Collection method: clinical testing. Allele origin: germline.
Comment: This variant, c.591_629del, results in the deletion of 13 amino acid(s) of the PCNT protein (p.Ile197_Gly209del), but otherwise preserves the integrity of the reading frame. This variant is present in population databases (rs761716576, gnomAD 0.004%). This variant has not been reported in the literature in individuals affected with PCNT-related conditions. Experimental studies and prediction algorithms are not available or were not evaluated, and the functional significance of this variant is currently unknown. In summary, the available evidence is currently insufficient to determine the role of this variant in disease. Therefore, it has been classified as a Variant of Uncertain Significance.

Breakthrough Genomics
Classification: Uncertain significance. Review status: criteria provided, single submitter. Criteria: ACMG Guidelines, 2015. Collection method: not provided. Allele origin: germline. Inheritance: Autosomal dominant inheritance. Affected: yes.

PreventionGenetics, part of Exact Sciences
Classification: Benign for PCNT-related condition. Last evaluated: 2024-08-09. Review status: no assertion criteria provided. Collection method: clinical testing. Allele origin: germline. Not counted in ClinVar's aggregate classification.
Comment: This variant is classified as benign based on ACMG/AMP sequence variant interpretation guidelines (Richards et al. 2015 PMID: 25741868, with internal and published modifications).